The following is an entry in ClinVar:

NM_001198800.3(ASCC1):c.958-4915C>T

Gene: ASCC1 (activating signal cointegrator 1 complex subunit 1; minus strand). Cytogenetic location: 10q22.1.
Variant type: single nucleotide variant.
Coding change: c.958-4915C>T on transcript NM_001198800.3 (MANE Select); 4915 bases into the intron before coding-DNA position 958, C replaced by T.
Molecular consequence: intron variant. On other transcripts: 3 prime UTR variant (6), synonymous variant (3).
Genome position (GRCh38, 1-based): chr10:72,102,365, G>A on the plus strand (C>T on the coding strand, the complement: ASCC1 is on the minus strand). VCF-style: chr10-72102365-G-A. GRCh37 (hg19) VCF-style: chr10-73862123-G-A.
Other names: c.*4C>T (NM_001198799.3, NM_001369085.1, NM_001369087.1 and 3 more transcripts); c.1005C>T, p.Ile335= (NM_001369096.1, NM_001369097.1, NM_001369098.1); c.904-4915C>T (NM_001369099.1); c.1141+485C>T (NM_001369086.1); c.752-4915C>T (NM_001369112.1); c.838-4915C>T (NM_001369108.1, NM_001369109.1); c.955+485C>T (NM_001369103.1, NM_001369104.1); c.872-4915C>T (NM_001369110.1, NM_001369111.1); and 4 more.
Identifiers: ClinVar variation 3054574 (VCV003054574.3), dbSNP rs769805829, ClinGen allele CA5548846.
Genomic context (GRCh38, chr10:72,102,365, plus strand): 5'-GTGTTTACACACTCACGGCTGTATCTTACCCACTAGCTCTCTGTGTCCCAAGCCCTTCTC[G>A]ATTCTAGGATTTTCCTGGTAGGCTCTGAGAATATGCATCAGAGACACCTGTAGCACAGTT-3'

ClinVar aggregate classification (germline): Likely benign. Review status: criteria provided, single submitter (1 of 4 stars). 2 submissions from 2 submitters: Likely benign (1). 1 of the submissions does not count toward it. Last evaluated 2024-08-26.

Conditions:
ASCC1-related disorder. Also called: ASCC1-Related Disorders; ASCC1-related condition.

Allele frequency attached by ClinVar (database versions not stated): TOPMed 0.00008; gnomAD 0.00009; gnomAD exomes 0.00014; ExAC 0.00017.
gnomAD v4.1: 204 of 1,549,608 alleles (0.013%); highest among the groups gnomAD compares: South Asian, 0.05%; no homozygotes.

Submissions (2):

Blueprint Genetics
Classification: Likely benign. Last evaluated: 2024-08-26. Review status: criteria provided, single submitter. Criteria: ACMG Guidelines, 2015. Collection method: clinical testing. Allele origin: germline.

PreventionGenetics, part of Exact Sciences
Classification: Likely benign for ASCC1-related condition. Last evaluated: 2020-11-23. Review status: no assertion criteria provided. Collection method: clinical testing. Allele origin: germline. Not counted in ClinVar's aggregate classification.
Comment: This variant is classified as likely benign based on ACMG/AMP sequence variant interpretation guidelines (Richards et al. 2015 PMID: 25741868, with internal and published modifications).